The following is an entry in ClinVar:

NM_001283009.2(RTEL1):c.1760C>T (p.Pro587Leu)

Genes: RTEL1 (regulator of telomere elongation helicase 1; plus strand), RTEL1-TNFRSF6B (RTEL1-TNFRSF6B readthrough (NMD candidate); plus strand). Cytogenetic location: 20q13.33.
Variant type: single nucleotide variant.
Coding change: c.1760C>T on transcript NM_001283009.2 (MANE Select); coding-DNA position 1760, C replaced by T.
Protein change: p.Pro587Leu; replaces proline 587 with leucine.
Molecular consequence: missense variant. On other transcripts: non-coding transcript variant (1).
Genome position (GRCh38, 1-based): chr20:63,688,565, C>T. VCF-style: chr20-63688565-C-T. GRCh37 (hg19) VCF-style: chr20-62319918-C-T.
Other names: c.1091C>T, p.Pro364Leu (NM_001283010.1); c.1760C>T, p.Pro587Leu (NM_016434.4); c.1832C>T, p.Pro611Leu (NM_032957.5); short protein forms P364L, P611L, P587L.
Identifiers: ClinVar variation 2458045 (VCV002458045.6), dbSNP rs768582874, ClinGen allele CA9964969.
Genomic context (GRCh38, chr20:63,688,565, plus strand): 5'-GTCCCTGCCTCTTCCTCCCACAGGCCCGCGACTTGGCCAGGAAGATGGAGGCGCTGAAGC[C>T]GCTGTTTGTGGAGCCCAGGAGCAAAGGCAGCTTCTCCGAGGTCGGCACTTGGCCGGGGCT-3'
Protein context (NP_001269938.1, residues 577-597): DLARKMEALK[Pro587Leu]LFVEPRSKGS

ClinVar aggregate classification (germline): Uncertain significance. Review status: criteria provided, multiple submitters, no conflicts (2 of 4 stars). 3 submissions from 3 submitters: Uncertain significance (2). 1 of the submissions does not count toward it. Last evaluated 2024-11-13.

Conditions:
Pulmonary fibrosis and/or bone marrow failure, Telomere-related, 3. Also called: PULMONARY FIBROSIS AND/OR BONE MARROW FAILURE SYNDROME, TELOMERE-RELATED, 3. Identifiers: Orphanet 2032, MedGen C4225346, MONDO:0014613, OMIM 616373.
Dyskeratosis congenita, autosomal recessive 5 (DKCB5). Identifiers: MedGen C3554656, MONDO:0014076, OMIM 615190.
Inborn genetic diseases. Identifiers: MedGen C0950123, MeSH D030342.
RTEL1-related disorder. Also called: RTEL1-related disorders; RTEL1-related condition.

Allele frequency attached by ClinVar (database versions not stated): gnomAD exomes below 0.00001; ExAC 0.00001.
gnomAD v4.1: 3 of 1,610,630 alleles (0.00019%); highest among the groups gnomAD compares: Non-Finnish European, 0.00017%; no homozygotes.

Submissions (3):

Labcorp Genetics (formerly Invitae), Labcorp
Classification: Uncertain significance for Dyskeratosis congenita, autosomal recessive 5; Pulmonary fibrosis and/or bone marrow failure, Telomere-related, 3. Last evaluated: 2024-11-13. Review status: criteria provided, single submitter. Criteria: Invitae Variant Classification Sherloc (09022015). Collection method: clinical testing. Allele origin: germline.
Comment: This sequence change replaces proline, which is neutral and non-polar, with leucine, which is neutral and non-polar, at codon 587 of the RTEL1 protein (p.Pro587Leu). The frequency data for this variant in the population databases is considered unreliable, as metrics indicate poor data quality at this position in the gnomAD database. This variant has not been reported in the literature in individuals affected with RTEL1-related conditions. ClinVar contains an entry for this variant (Variation ID: 2458045). An algorithm developed to predict the effect of missense changes on protein structure and function (PolyPhen-2) suggests that this variant is likely to be disruptive. In summary, the available evidence is currently insufficient to determine the role of this variant in disease. Therefore, it has been classified as a Variant of Uncertain Significance.

Ambry Genetics
Classification: Uncertain significance for Inborn genetic diseases. Last evaluated: 2023-02-06. Review status: criteria provided, single submitter. Criteria: Ambry Variant Classification Scheme 2023. Collection method: clinical testing. Allele origin: germline.

PreventionGenetics, part of Exact Sciences
Classification: Uncertain significance for RTEL1-related condition. Last evaluated: 2024-03-26. Review status: no assertion criteria provided. Collection method: clinical testing. Allele origin: germline. Not counted in ClinVar's aggregate classification.
Comment: The RTEL1 c.1832C>T variant is predicted to result in the amino acid substitution p.Pro611Leu. To our knowledge, this variant has not been reported in the literature. This variant is reported in 0.0049% of alleles in individuals of European (Finnish) descent in gnomAD. At this time, the clinical significance of this variant is uncertain due to the absence of conclusive functional and genetic evidence.